The following is an entry in ClinVar:

NM_016734.3(PAX5):c.638C>A (p.Ser213Ter)

Gene: PAX5 (paired box 5; minus strand). Cytogenetic location: 9p13.2.
Variant type: single nucleotide variant.
Coding change: c.638C>A on transcript NM_016734.3 (MANE Select); coding-DNA position 638, C replaced by A.
Protein change: p.Ser213Ter; replaces serine 213 with a stop codon.
Molecular consequence: nonsense. On other transcripts: non-coding transcript variant (2).
Genome position (GRCh38, 1-based): chr9:36,966,691, G>T on the plus strand (C>A on the coding strand, the complement: PAX5 is on the minus strand). VCF-style: chr9-36966691-G-T. GRCh37 (hg19) VCF-style: chr9-36966688-G-T.
Other names: c.638C>A, p.Ser213Ter (NM_001280547.2, NM_001280548.2, NM_001280549.2 and 2 more transcripts); c.314C>A, p.Ser105Ter (NM_001280551.2, NM_001280556.2); c.509C>A, p.Ser170Ter (NM_001280553.2, NM_001280554.2); c.440C>A, p.Ser147Ter (NM_001280555.2); short protein forms S105*, S147*, S170*, S213*.
Identifiers: ClinVar variation 3900162 (VCV003900162.1).

ClinVar aggregate classification (germline): Uncertain significance (1 of 4 stars; one submission).

gnomAD v4.1: 1 of 1,614,200 alleles (0.000062%); highest among the groups gnomAD compares: East Asian, 0.0022%; no homozygotes.

Submission:

GeneDx
Classification: Uncertain significance. Last evaluated: 2024-11-25. Review status: criteria provided, single submitter. Criteria: GeneDx Variant Classification Process June 2021. Collection method: clinical testing. Allele origin: germline. Affected: yes.
Comment: Not observed at significant frequency in large population cohorts (gnomAD); Nonsense variant predicted to result in protein truncation or nonsense mediated decay in a gene or region of a gene for which loss of function is not a well-established mechanism of disease; Has not been previously published as pathogenic or benign to our knowledge